The following is an entry in ClinVar:

NM_000395.3(CSF2RB):c.871C>T (p.Pro291Ser)

Gene: CSF2RB (colony stimulating factor 2 receptor subunit beta; plus strand). Cytogenetic location: 22q12.3.
Variant type: single nucleotide variant.
Coding change: c.871C>T on transcript NM_000395.3 (MANE Select); coding-DNA position 871, C replaced by T.
Protein change: p.Pro291Ser; replaces proline 291 with serine.
Molecular consequence: missense variant.
Genome position (GRCh38, 1-based): chr22:36,930,689, C>T. VCF-style: chr22-36930689-C-T. GRCh37 (hg19) VCF-style: chr22-37326731-C-T.
Other names: short protein forms P291S.
Identifiers: ClinVar variation 1386243 (VCV001386243.8), dbSNP rs2145808309, ClinGen allele CA411407928.
Genomic context (GRCh38, chr22:36,930,689, plus strand): 5'-TGTGCCCTCCCTCTCCCTGCCCTCAGCTCTGCTGTGCTCCTCAGGGAGGAAGAGTGCTCC[C>T]CAGTGCTGAGGGAGGGGCTCGGCAGCCTCCACACCAGGCACCACTGCCAGATTCCCGTGC-3'
Protein context (NP_000386.1, residues 281-301): SPDAGEEECS[Pro291Ser]VLREGLGSLH

ClinVar aggregate classification (germline): Uncertain significance (1 of 4 stars; one submission).

Submission:

Labcorp Genetics (formerly Invitae), Labcorp
Classification: Uncertain significance. Last evaluated: 2021-04-09. Review status: criteria provided, single submitter. Criteria: Invitae Variant Classification Sherloc (09022015). Collection method: clinical testing. Allele origin: germline.
Comment: In summary, the available evidence is currently insufficient to determine the role of this variant in disease. Therefore, it has been classified as a Variant of Uncertain Significance. Algorithms developed to predict the effect of missense changes on protein structure and function are either unavailable or do not agree on the potential impact of this missense change (SIFT: "Deleterious"; PolyPhen-2: "Possibly Damaging"; Align-GVGD: "Class C0"). This variant has not been reported in the literature in individuals with CSF2RB-related conditions. This variant is not present in population databases (ExAC no frequency). This sequence change replaces proline with serine at codon 291 of the CSF2RB protein (p.Pro291Ser). The proline residue is highly conserved and there is a moderate physicochemical difference between proline and serine.